The following is an entry in ClinVar:

ClinVar aggregate classification (germline): Likely benign. Review status: criteria provided, multiple submitters, no conflicts (2 of 4 stars). 3 submissions from 3 submitters: Likely benign (2). 1 of the submissions does not count toward it. Last evaluated 2023-11-01.

Conditions:
Inborn genetic diseases. Identifiers: MedGen C0950123, MeSH D030342.
ZNF292-related disorder. Also called: ZNF292-related condition.

Allele frequency attached by ClinVar (database versions not stated): 1000 Genomes Project 30x 0.00031; 1000 Genomes Project 0.00040; ESP Exome Variant Server 0.00060; gnomAD 0.00063; TOPMed 0.00068; gnomAD exomes 0.00076; ExAC 0.00105.
gnomAD v4.1: 1,175 of 1,578,386 alleles (0.074%); highest among the groups gnomAD compares: Middle Eastern, 0.33%; 1 homozygote.

Submissions (3):

CeGaT Center for Human Genetics Tuebingen
Classification: Likely benign. Last evaluated: 2023-11-01. Review status: criteria provided, single submitter. Criteria: CeGaT Center For Human Genetics Tuebingen Variant Classification Criteria Version 2. Collection method: clinical testing. Allele origin: germline. Affected: yes. Observed: 1 variant allele.
Comment: ZNF292: BS1

Ambry Genetics
Classification: Likely benign for Inborn genetic diseases. Last evaluated: 2021-11-09. Review status: criteria provided, single submitter. Criteria: Ambry Variant Classification Scheme 2023. Collection method: clinical testing. Allele origin: germline.

PreventionGenetics, part of Exact Sciences
Classification: Likely benign for ZNF292-related condition. Last evaluated: 2022-09-15. Review status: no assertion criteria provided. Collection method: clinical testing. Allele origin: germline. Not counted in ClinVar's aggregate classification.
Comment: This variant is classified as likely benign based on ACMG/AMP sequence variant interpretation guidelines (Richards et al. 2015 PMID: 25741868, with internal and published modifications).

NM_015021.3(ZNF292):c.5974T>C (p.Ser1992Pro)

Gene: ZNF292 (zinc finger protein 292; plus strand). Cytogenetic location: 6q14.3.
Variant type: single nucleotide variant.
Coding change: c.5974T>C on transcript NM_015021.3 (MANE Select); coding-DNA position 5974, T replaced by C.
Protein change: p.Ser1992Pro; replaces serine 1992 with proline.
Molecular consequence: missense variant.
Genome position (GRCh38, 1-based): chr6:87,259,603, T>C. VCF-style: chr6-87259603-T-C. GRCh37 (hg19) VCF-style: chr6-87969321-T-C.
Other names: c.5554T>C, p.Ser1852Pro (NM_001351444.2); short protein forms S1852P, S1992P.
Identifiers: ClinVar variation 2361821 (VCV002361821.26), dbSNP rs200457425, ClinGen allele CA3914546.